The following is an entry in ClinVar:

ClinVar aggregate classification (germline): Likely benign. Review status: criteria provided, multiple submitters, no conflicts (2 of 4 stars). 2 submissions from 2 submitters: Likely benign (2). Last evaluated 2024-08-13.

Conditions:
Marfan syndrome (MFS). Also called: MARFAN SYNDROME, TYPE I; Marfan syndrome type 1; Marfan's syndrome; FBN1-Related Marfan Syndrome; Marfan syndrome, classic. Identifiers: Orphanet 284963, Orphanet 558, MedGen C0024796, MONDO:0007947, OMIM 154700.
Familial thoracic aortic aneurysm and aortic dissection (TAAD). Also called: Thoracic aortic aneurysms and dissections. Identifiers: Orphanet 91387, MedGen C4707243, MONDO:0019625.

Submissions (2):

All of Us Research Program, National Institutes of Health
Classification: Likely benign for Marfan syndrome. Last evaluated: 2024-08-13. Review status: criteria provided, single submitter. Criteria: ACMG Guidelines, 2015. Collection method: clinical testing. Allele origin: germline. Inheritance: Autosomal dominant inheritance. Observed: 1 variant allele, 1 heterozygote.
Comment: This study involves interpretation of variants in research participants for the purpose of population health screening. Participant phenotype was not available at the time of variant classification. Additional details can be found in publication PMID: 35346344, PMCID: PMC8962531

Labcorp Genetics (formerly Invitae), Labcorp
Classification: Likely benign for Marfan syndrome; Familial thoracic aortic aneurysm and aortic dissection. Last evaluated: 2024-02-14. Review status: criteria provided, single submitter. Criteria: Invitae Variant Classification Sherloc (09022015). Collection method: clinical testing. Allele origin: germline.

NM_000138.5(FBN1):c.3133A>C (p.Arg1045=)

Gene: FBN1 (fibrillin 1; minus strand). Cytogenetic location: 15q21.1.
Variant type: single nucleotide variant.
Coding change: c.3133A>C on transcript NM_000138.5 (MANE Select); coding-DNA position 3133, A replaced by C.
Protein change: p.Arg1045=; no amino-acid change (arginine 1045 retained).
Molecular consequence: synonymous variant.
Genome position (GRCh38, 1-based): chr15:48,488,443, T>G on the plus strand (A>C on the coding strand, the complement: FBN1 is on the minus strand). VCF-style: chr15-48488443-T-G. GRCh37 (hg19) VCF-style: chr15-48780640-T-G.
Other names: c.3133A>C, p.Arg1045= (NM_001406716.1).
Identifiers: ClinVar variation 3386822 (VCV003386822.3).